The following is an entry in ClinVar:

ClinVar aggregate classification (germline): Pathogenic (1 of 4 stars; one submission).

Submission:

Labcorp Genetics (formerly Invitae), Labcorp
Classification: Pathogenic. Last evaluated: 2024-07-29. Review status: criteria provided, single submitter. Criteria: Invitae Variant Classification Sherloc (09022015). Collection method: clinical testing. Allele origin: germline.
Comment: This sequence change falls in intron 12 of the TCF12 gene. It does not directly change the encoded amino acid sequence of the TCF12 protein. It affects a nucleotide within the consensus splice site. This variant is not present in population databases (gnomAD no frequency). This variant has been observed in individual(s) with clinical features of TCF12-related conditions (Invitae). In at least one individual the variant was observed to be de novo. Variants that disrupt the consensus splice site are a relatively common cause of aberrant splicing (PMID: 17576681, 9536098). Algorithms developed to predict the effect of sequence changes on RNA splicing suggest that this variant may disrupt the consensus splice site. For these reasons, this variant has been classified as Pathogenic.

Literature cited by the submitters: PubMed 17576681; PubMed 9536098.

NM_207037.2(TCF12):c.1035+3_1035+6del

Gene: TCF12 (transcription factor 12; plus strand). Cytogenetic location: 15q21.3.
Variant type: Deletion.
Coding change: c.1035+3_1035+6del on transcript NM_207037.2 (MANE Select); bases 3 to 6 of the intron after coding-DNA position 1035, 4 bases deleted (GAGT; older notation c.1035+3_1035+6delGAGT).
Molecular consequence: splice donor variant.
Genome position (GRCh38, 1-based): chr15:57,234,110-57,234,113, GAGT deleted; deleting any 4 consecutive bases within chr15:57,234,108-57,234,113 gives the same sequence; the c. name uses the placement nearest the transcript's 3' end. VCF-style (leftmost placement, unchanged base first): chr15-57234107-TGTGA-T. GRCh37 (hg19) VCF-style: chr15-57526305-TGTGA-T.
Other names: c.1035+3_1035+6del (NM_001322151.2, NM_001322159.3, NM_001322157.3 and 7 more transcripts); c.861+3_861+6del (NM_001322156.2, NM_001322158.2); c.378+3_378+6del (NM_001322154.2); c.1071+3_1071+6del (NM_001322164.2); c.525+3_525+6del (NM_001306219.3, NM_207040.2); c.327+3_327+6del (NM_001306220.3).
Identifiers: ClinVar variation 3648743 (VCV003648743.2).